The following is an entry in ClinVar:

ClinVar aggregate classification (germline): Conflicting classifications of pathogenicity. Review status: criteria provided, conflicting classifications (1 of 4 stars). 2 submissions from 2 submitters: Uncertain significance (1); Benign (1). Last evaluated 2024-03-31.

Conditions:
Developmental and epileptic encephalopathy, 42 (DEE42A). Also called: DEVELOPMENTAL AND EPILEPTIC ENCEPHALOPATHY 42A; EPILEPTIC ENCEPHALOPATHY, EARLY INFANTILE, 42A; Epileptic encephalopathy, early infantile, 42. Identifiers: MedGen C4310716, MONDO:0014917, OMIM 617106.
Episodic ataxia type 2 (EA2). Also called: ACETAZOLAMIDE-RESPONSIVE HEREDITARY PAROXYSMAL CEREBELLAR ATAXIA; CEREBELLAR ATAXIA, PAROXYSMAL, ACETAZOLAMIDE-RESPONSIVE; CEREBELLOPATHY, HEREDITARY PAROXYSMAL; EPISODIC ATAXIA, NYSTAGMUS-ASSOCIATED; ATAXIA, EPISODIC, WITH NYSTAGMUS; ATAXIA, FAMILIAL PAROXYSMAL. Identifiers: Orphanet 97, MedGen C1720416, MONDO:0007163, OMIM 108500.

Submissions (2):

Labcorp Genetics (formerly Invitae), Labcorp
Classification: Uncertain significance for Developmental and epileptic encephalopathy, 42; Episodic ataxia type 2. Last evaluated: 2024-03-31. Review status: criteria provided, single submitter. Criteria: Invitae Variant Classification Sherloc (09022015). Collection method: clinical testing. Allele origin: germline.
Comment: This sequence change replaces glutamic acid, which is acidic and polar, with glycine, which is neutral and non-polar, at codon 908 of the CACNA1A protein (p.Glu908Gly). This variant is not present in population databases (gnomAD no frequency). This variant has not been reported in the literature in individuals affected with CACNA1A-related conditions. ClinVar contains an entry for this variant (Variation ID: 1684784). Advanced modeling of protein sequence and biophysical properties (such as structural, functional, and spatial information, amino acid conservation, physicochemical variation, residue mobility, and thermodynamic stability) performed at Invitae indicates that this missense variant is not expected to disrupt CACNA1A protein function with a negative predictive value of 95%. In summary, the available evidence is currently insufficient to determine the role of this variant in disease. Therefore, it has been classified as a Variant of Uncertain Significance.

Mendelics
Classification: Benign. Last evaluated: 2022-05-04. Review status: criteria provided, single submitter. Criteria: Mendelics Assertion Criteria 2019. Collection method: clinical testing. Allele origin: germline.

NM_001127222.2(CACNA1A):c.2720A>G (p.Glu907Gly)

Gene: CACNA1A (calcium voltage-gated channel subunit alpha1 A; minus strand). Cytogenetic location: 19p13.13.
Variant type: single nucleotide variant.
Coding change: c.2720A>G on transcript NM_001127222.2 (MANE Select); coding-DNA position 2720, A replaced by G.
Protein change: p.Glu907Gly; replaces glutamic acid 907 with glycine.
Molecular consequence: missense variant.
Genome position (GRCh38, 1-based): chr19:13,298,913, T>C on the plus strand (A>G on the coding strand, the complement: CACNA1A is on the minus strand). VCF-style: chr19-13298913-T-C. GRCh37 (hg19) VCF-style: chr19-13409727-T-C.
Other names: c.2732A>G, p.Glu911Gly (NM_000068.4, NM_023035.3); c.2723A>G, p.Glu908Gly (NM_001127221.2, NM_001174080.2); short protein forms E907G, E908G, E911G.
Identifiers: ClinVar variation 1684784 (VCV001684784.3), dbSNP rs2144955398, ClinGen allele CA404342853.